The following is an entry in ClinVar:

NM_007332.3(TRPA1):c.1372C>T (p.Arg458Cys)

Genes: MSC-AS1 (MSC antisense RNA 1; plus strand), TRPA1 (transient receptor potential cation channel subfamily A member 1; minus strand). Cytogenetic location: 8q21.11.
Variant type: single nucleotide variant.
Coding change: c.1372C>T on transcript NM_007332.3 (MANE Select); coding-DNA position 1372, C replaced by T.
Protein change: p.Arg458Cys; replaces arginine 458 with cysteine.
Molecular consequence: missense variant. On other transcripts: non-coding transcript variant (2).
Genome position (GRCh38, 1-based): chr8:72,055,593, G>A on the plus strand (C>T on the coding strand, the complement: TRPA1 is on the minus strand). VCF-style: chr8-72055593-G-A. GRCh37 (hg19) VCF-style: chr8-72967828-G-A.
Other names: short protein forms R458C.
Identifiers: ClinVar variation 1050743 (VCV001050743.3), dbSNP rs374228201, ClinGen allele CA4780923.
Genomic context (GRCh38, chr8:72,055,593, plus strand): 5'-CTTCATTCAGAAGCCTCGTATCACTTATGTCTTGTAGGAGCCTCTGACAGGTATTGATAC[G>A]CCCATAACTTGGAAAAAATTAGGTTTCATATTTTCAAGGCAAATATTAAACAGAAAGAAG-3'
Protein context (NP_015628.2, residues 448-468): SPLHFAASYG[Arg458Cys]INTCQRLLQD

ClinVar aggregate classification (germline): Uncertain significance. Review status: criteria provided, single submitter (1 of 4 stars). 2 submissions from 2 submitters: Uncertain significance (1). 1 of the submissions does not count toward it. Last evaluated 2026-06-01.

Allele frequency attached by ClinVar (database versions not stated): gnomAD 0.00002 and 0.00003; gnomAD exomes 0.00004; ExAC 0.00007; ESP Exome Variant Server 0.00015.
gnomAD v4.1: 38 of 1,612,828 alleles (0.0024%); highest among the groups gnomAD compares: Middle Eastern, 0.016%; no homozygotes.

Submissions (2):

CeGaT Center for Human Genetics Tuebingen
Classification: Uncertain significance. Last evaluated: 2026-06-01. Review status: criteria provided, single submitter. Criteria: CeGaT Center For Human Genetics Tuebingen Variant Classification Criteria Version 2. Collection method: clinical testing. Allele origin: germline. Affected: yes. Observed: 1 variant allele.

Department of Pathology and Laboratory Medicine, Sinai Health System
Classification: Uncertain significance. Review status: no assertion criteria provided. Collection method: clinical testing. Allele origin: unknown. Affected: yes. Study: The Canadian Open Genetics Repository (COGR). Not counted in ClinVar's aggregate classification.
Comment: The TRPA1 p.Arg458Cys variant was not identified in the literature nor was it identified in ClinVar. The variant was identified in dbSNP (ID: rs374228201), LOVD 3.0 and Cosmic (FATHMM predicted pathogenic; score=0.96). The variant was also identified in control databases in 11 of 250132 chromosomes at a frequency of 0.000044 (Genome Aggregation Database Feb 27, 2017). The variant was observed in the following populations: Other in 2 of 6072 chromosomes (freq: 0.000329), European (non-Finnish) in 8 of 113036 chromosomes (freq: 0.000071) and Latino in 1 of 34452 chromosomes (freq: 0.000029), while the variant was not observed in the African, Ashkenazi Jewish, East Asian, European (Finnish), and South Asian populations. The p.Arg458 residue is conserved across mammals and other organisms, and computational analyses (PolyPhen-2, SIFT, AlignGVGD, BLOSUM, MutationTaster) suggest that the variant may impact the protein; however, this information is not predictive enough to assume pathogenicity. The variant occurs outside of the splicing consensus sequence and in silico or computational prediction software programs (SpliceSiteFinder, MaxEntScan, NNSPLICE, GeneSplicer) do not predict a difference in splicing. In summary, based on the above information the clinical significance of this variant cannot be determined with certainty at this time. This variant is classified as a variant of uncertain significance.